The following is an entry in ClinVar:

ClinVar aggregate classification (germline): Uncertain significance (1 of 4 stars; one submission).

gnomAD v4.1: 7 of 1,592,764 alleles (0.00044%); highest among the groups gnomAD compares: Non-Finnish European, 0.0006%; no homozygotes.

Submission:

Women's Health and Genetics/Laboratory Corporation of America, LabCorp
Classification: Uncertain significance. Last evaluated: 2026-05-14. Review status: criteria provided, single submitter. Criteria: LabCorp Variant Classification Summary - May 2015. Collection method: clinical testing. Allele origin: germline.
Comment: Variant summary: CD96 c.1403C>T (p.Ser468Leu) results in a non-conservative amino acid change in the encoded protein sequence. Algorithms developed to predict the effect of missense changes on protein structure and function are either unavailable or do not agree on the potential impact of this missense change. The variant allele was found at a frequency of 1.2e-05 in 251314 control chromosomes. The available data on variant occurrences in the general population are insufficient to allow any conclusion about variant significance. To our knowledge, no occurrence of c.1403C>T in individuals affected with CD96-related conditions and no experimental evidence demonstrating its impact on protein function have been reported. No submitters have cited clinical-significance assessments for this variant to ClinVar. Based on the evidence outlined above, the variant was classified as uncertain significance.

NM_005816.5(CD96):c.1355C>T (p.Ser452Leu)

Gene: CD96 (CD96 molecule; plus strand). Cytogenetic location: 3q13.2.
Variant type: single nucleotide variant.
Coding change: c.1355C>T on transcript NM_005816.5 (MANE Select); coding-DNA position 1355, C replaced by T.
Protein change: p.Ser452Leu; replaces serine 452 with leucine.
Molecular consequence: missense variant. On other transcripts: non-coding transcript variant (1).
Genome position (GRCh38, 1-based): chr3:111,637,229, C>T. VCF-style: chr3-111637229-C-T. GRCh37 (hg19) VCF-style: chr3-111356076-C-T.
Other names: c.1352C>T, p.Ser451Leu (NM_001410800.1); c.1403C>T, p.Ser468Leu (NM_198196.3); short protein forms S451L, S452L, S468L.
Identifiers: ClinVar variation 4853087 (VCV004853087.1).